The following is an entry in ClinVar:

NM_005204.4(MAP3K8):c.146T>A (p.Met49Lys)

Gene: MAP3K8 (mitogen-activated protein kinase kinase kinase 8; plus strand). Cytogenetic location: 10p11.23.
Variant type: single nucleotide variant.
Coding change: c.146T>A on transcript NM_005204.4 (MANE Select); coding-DNA position 146, T replaced by A.
Protein change: p.Met49Lys; replaces methionine 49 with lysine.
Molecular consequence: missense variant.
Genome position (GRCh38, 1-based): chr10:30,439,084, T>A. VCF-style: chr10-30439084-T-A. GRCh37 (hg19) VCF-style: chr10-30728013-T-A.
Other names: c.146T>A (NM_005204.3); c.146T>A, p.Met49Lys (NM_001244134.1, NM_001320961.2); short protein forms M49K.
Identifiers: ClinVar variation 1525745 (VCV001525745.9), dbSNP rs1476435489, ClinGen allele CA376435642.

ClinVar aggregate classification (germline): Uncertain significance. Review status: criteria provided, multiple submitters, no conflicts (2 of 4 stars). 2 submissions from 2 submitters: Uncertain significance (2). Last evaluated 2025-01-16.

gnomAD v4.1: 13 of 1,614,130 alleles (0.00081%); highest among the groups gnomAD compares: East Asian, 0.02%; no homozygotes.

Submissions (2):

Ambry Genetics
Classification: Uncertain significance. Last evaluated: 2025-01-16. Review status: criteria provided, single submitter. Criteria: Ambry Variant Classification Scheme 2023. Collection method: clinical testing. Allele origin: germline.

Labcorp Genetics (formerly Invitae), Labcorp
Classification: Uncertain significance. Last evaluated: 2021-04-12. Review status: criteria provided, single submitter. Criteria: Invitae Variant Classification Sherloc (09022015). Collection method: clinical testing. Allele origin: germline.
Comment: Algorithms developed to predict the effect of missense changes on protein structure and function (SIFT, PolyPhen-2, Align-GVGD) all suggest that this variant is likely to be tolerated, but these predictions have not been confirmed by published functional studies and their clinical significance is uncertain. This variant has not been reported in the literature in individuals with MAP3K8-related conditions. This variant is not present in population databases (ExAC no frequency). This sequence change replaces methionine with lysine at codon 49 of the MAP3K8 protein (p.Met49Lys). The methionine residue is highly conserved and there is a moderate physicochemical difference between methionine and lysine. In summary, the available evidence is currently insufficient to determine the role of this variant in disease. Therefore, it has been classified as a Variant of Uncertain Significance.